The following is an entry in ClinVar:

NM_003415.3(ZNF268):c.957C>T (p.Leu319=)

Gene: ZNF268 (zinc finger protein 268; plus strand). Cytogenetic location: 12q24.33.
Variant type: single nucleotide variant.
Coding change: c.957C>T on transcript NM_003415.3 (MANE Select); coding-DNA position 957, C replaced by T.
Protein change: p.Leu319=; no amino-acid change (leucine 319 retained).
Molecular consequence: synonymous variant. On other transcripts: 3 prime UTR variant (6).
Genome position (GRCh38, 1-based): chr12:133,202,643, C>T. VCF-style: chr12-133202643-C-T. GRCh37 (hg19) VCF-style: chr12-133779229-C-T.
Other names: c.957C>T, p.Leu319= (NM_001165881.3); c.708C>T, p.Leu236= (NM_001165882.3); c.*326C>T (NM_001165883.2, NM_001165884.3, NM_001165885.2 and 1 more transcripts); c.*481C>T (NM_001165887.2, NM_152943.3).
Identifiers: ClinVar variation 2643662 (VCV002643662.24), dbSNP rs746814708, ClinGen allele CA6899542.

ClinVar aggregate classification (germline): Likely benign (1 of 4 stars; one submission).

Allele frequency attached by ClinVar (database versions not stated): TOPMed 0.00002; ExAC 0.00003; gnomAD exomes 0.00003.
gnomAD v4.1: 51 of 1,605,168 alleles (0.0032%); highest among the groups gnomAD compares: Middle Eastern, 0.12%; no homozygotes.

Submission:

CeGaT Center for Human Genetics Tuebingen
Classification: Likely benign. Last evaluated: 2022-07-01. Review status: criteria provided, single submitter. Criteria: CeGaT Center For Human Genetics Tuebingen Variant Classification Criteria Version 2. Collection method: clinical testing. Allele origin: germline. Affected: yes. Observed: 1 variant allele.
Comment: ZNF268: BP4, BP7